The following is an entry in ClinVar:

NM_000719.7(CACNA1C):c.1243G>A (p.Ala415Thr)

Gene: CACNA1C (calcium voltage-gated channel subunit alpha1 C; plus strand). Cytogenetic location: 12p13.33.
Variant type: single nucleotide variant.
Coding change: c.1243G>A on transcript NM_000719.7 (MANE Select); coding-DNA position 1243, G replaced by A.
Protein change: p.Ala415Thr; replaces alanine 415 with threonine.
Molecular consequence: missense variant.
Genome position (GRCh38, 1-based): chr12:2,512,837, G>A. VCF-style: chr12-2512837-G-A. GRCh37 (hg19) VCF-style: chr12-2622003-G-A.
Other names: c.1243G>A, p.Ala415Thr (NM_001129827.2, NM_001129829.2, NM_001129830.3 and 18 more transcripts); c.1234G>A, p.Ala412Thr (NM_001129844.2); short protein forms A415T, A412T.
Identifiers: ClinVar variation 3661874 (VCV003661874.2).

ClinVar aggregate classification (germline): Uncertain significance (1 of 4 stars; one submission).

Conditions:
Long QT syndrome (LQTS). Identifiers: MedGen C0023976, MeSH D008133, MONDO:0002442. Disease mechanism: loss of function. Inheritance: Various modes of inheritance.

Submission:

Labcorp Genetics (formerly Invitae), Labcorp
Classification: Uncertain significance for Long QT syndrome. Last evaluated: 2024-08-10. Review status: criteria provided, single submitter. Criteria: Invitae Variant Classification Sherloc (09022015). Collection method: clinical testing. Allele origin: germline.
Comment: This sequence change replaces alanine, which is neutral and non-polar, with threonine, which is neutral and polar, at codon 415 of the CACNA1C protein (p.Ala415Thr). This variant is not present in population databases (gnomAD no frequency). This variant has not been reported in the literature in individuals affected with CACNA1C-related conditions. Advanced modeling of protein sequence and biophysical properties (such as structural, functional, and spatial information, amino acid conservation, physicochemical variation, residue mobility, and thermodynamic stability) performed at Invitae indicates that this missense variant is expected to disrupt CACNA1C protein function with a positive predictive value of 95%. In summary, the available evidence is currently insufficient to determine the role of this variant in disease. Therefore, it has been classified as a Variant of Uncertain Significance.